The following is an entry in ClinVar:

ClinVar aggregate classification (germline): Likely benign. Review status: criteria provided, multiple submitters, no conflicts (2 of 4 stars). 3 submissions from 3 submitters: Likely benign (3). Last evaluated 2024-06-04.

Conditions:
Cardiovascular phenotype. Identifiers: MedGen CN230736.
Autosomal recessive limb-girdle muscular dystrophy type 2J (LGMDR10). Also called: Limb-girdle muscular dystrophy, type 2J; MUSCULAR DYSTROPHY, LIMB-GIRDLE, AUTOSOMAL RECESSIVE 10. Identifiers: Orphanet 140922, MedGen C1837342, MONDO:0012127, OMIM 608807.
Dilated cardiomyopathy 1G (CMD1G). Identifiers: Orphanet 154, MedGen C1858763, MONDO:0011400, OMIM 604145.

gnomAD v4.1: 9 of 1,613,260 alleles (0.00056%); highest among the groups gnomAD compares: South Asian, 0.0011%; no homozygotes.

Submissions (3):

Labcorp Genetics (formerly Invitae), Labcorp
Classification: Likely benign for Dilated cardiomyopathy 1G; Autosomal recessive limb-girdle muscular dystrophy type 2J. Last evaluated: 2024-06-04. Review status: criteria provided, single submitter. Criteria: Invitae Variant Classification Sherloc (09022015). Collection method: clinical testing. Allele origin: germline.

Ambry Genetics
Classification: Likely benign for Cardiovascular phenotype. Last evaluated: 2024-05-12. Review status: criteria provided, single submitter. Criteria: Ambry Variant Classification Scheme 2023. Collection method: clinical testing. Allele origin: germline.

GeneDx
Classification: Likely benign. Last evaluated: 2017-05-24. Review status: criteria provided, single submitter. Criteria: GeneDx Variant Classification (06012015). Collection method: clinical testing. Allele origin: germline. Affected: yes.
Comment: This variant is considered likely benign or benign based on one or more of the following criteria: it is a conservative change, it occurs at a poorly conserved position in the protein, it is predicted to be benign by multiple in silico algorithms, and/or has population frequency not consistent with disease.

NM_001267550.2(TTN):c.57300T>C (p.Asp19100=)

Genes: TTN (titin; minus strand), TTN-AS1 (TTN antisense RNA 1; plus strand). Cytogenetic location: 2q31.2.
Variant type: single nucleotide variant.
Coding change: c.57300T>C on transcript NM_001267550.2 (MANE Select); coding-DNA position 57300, T replaced by C.
Protein change: p.Asp19100=; no amino-acid change (aspartic acid 19100 retained).
Molecular consequence: synonymous variant.
Genome position (GRCh38, 1-based): chr2:178,597,782, A>G on the plus strand (T>C on the coding strand, the complement: TTN is on the minus strand). VCF-style: chr2-178597782-A-G. GRCh37 (hg19) VCF-style: chr2-179462509-A-G.
Other names: c.52377T>C, p.Asp17459= (NM_001256850.1); c.30105T>C, p.Asp10035= (NM_003319.4); c.49596T>C, p.Asp16532= (NM_133378.4); c.30480T>C, p.Asp10160= (NM_133432.3); c.30681T>C, p.Asp10227= (NM_133437.4).
Identifiers: ClinVar variation 413204 (VCV000413204.13), dbSNP rs876658069, ClinGen allele CA16610347.
Genomic context (GRCh38, chr2:178,597,782, plus strand): 5'-AGGCTTTCCAGACACATAGGCAATGATTCGGATCACCCCTCCAGCATGGACAACAATTCT[A>G]TCTCTGACACTGGCATCTAGCTGAAGGTCAGGTGAAACTGGAAGCAATTGAAAATTACAA-3'
Protein context (NP_001254479.2, residues 19090-19110): PDLQLDASVR[Asp19100=]RIVVHAGGVI